The following is an entry in ClinVar:

NM_004408.4(DNM1):c.152T>C (p.Phe51Ser)

Genes: CIZ1 (CDKN1A interacting zinc finger protein 1; minus strand), DNM1 (dynamin 1; plus strand). Cytogenetic location: 9q34.11.
Variant type: single nucleotide variant.
Coding change: c.152T>C on transcript NM_004408.4 (MANE Select); coding-DNA position 152, T replaced by C.
Protein change: p.Phe51Ser; replaces phenylalanine 51 with serine.
Molecular consequence: missense variant. On other transcripts: intron variant (2).
Genome position (GRCh38, 1-based): chr9:128,203,622, T>C. VCF-style: chr9-128203622-T-C. GRCh37 (hg19) VCF-style: chr9-130965901-T-C.
Other names: c.152T>C, p.Phe51Ser (NM_001005336.3, NM_001288737.2, NM_001288738.2 and 2 more transcripts); c.-6+564A>G (NM_001131015.2, NM_012127.3); short protein forms F51S.
Identifiers: ClinVar variation 1064170 (VCV001064170.9), dbSNP rs2131061694, ClinGen allele CA375006917.

ClinVar aggregate classification (germline): Uncertain significance (1 of 4 stars; one submission).

Conditions:
Developmental and epileptic encephalopathy, 31A. Also called: Epileptic encephalopathy, early infantile, 31; Developmental and epileptic encephalopathy, 31. Identifiers: Orphanet 2382, MedGen C4225357, MONDO:0014598, OMIM 616346.

Submission:

Labcorp Genetics (formerly Invitae), Labcorp
Classification: Uncertain significance for Developmental and epileptic encephalopathy, 31A. Last evaluated: 2020-06-01. Review status: criteria provided, single submitter. Criteria: Invitae Variant Classification Sherloc (09022015). Collection method: clinical testing. Allele origin: germline.
Comment: In summary, the available evidence is currently insufficient to determine the role of this variant in disease. Therefore, it has been classified as a Variant of Uncertain Significance. Algorithms developed to predict the effect of missense changes on protein structure and function are either unavailable or do not agree on the potential impact of this missense change (SIFT: "Deleterious"; PolyPhen-2: "Probably Damaging"; Align-GVGD: "Class C0"). This variant has not been reported in the literature in individuals with DNM1-related conditions. This variant is not present in population databases (ExAC no frequency). This sequence change replaces phenylalanine with serine at codon 51 of the DNM1 protein (p.Phe51Ser). The phenylalanine residue is highly conserved and there is a large physicochemical difference between phenylalanine and serine.